The following is an entry in ClinVar:

NM_001388492.1(HTT):c.4612+3A>G

Gene: HTT (huntingtin; plus strand). Cytogenetic location: 4p16.3.
Variant type: single nucleotide variant.
Coding change: c.4612+3A>G on transcript NM_001388492.1 (MANE Select); 3 bases into the intron after coding-DNA position 4612, A replaced by G.
Molecular consequence: intron variant.
Genome position (GRCh38, 1-based): chr4:3,178,449, A>G. VCF-style: chr4-3178449-A-G. GRCh37 (hg19) VCF-style: chr4-3180176-A-G.
Other names: c.4612+3A>G (NM_002111.8).
Identifiers: ClinVar variation 1441690 (VCV001441690.6), dbSNP rs755607942, ClinGen allele CA2824474.

ClinVar aggregate classification (germline): Uncertain significance (1 of 4 stars; one submission).

Allele frequency attached by ClinVar (database versions not stated): gnomAD exomes 0.00002 and 0.00003; ExAC 0.00006.
gnomAD v4.1: 11 of 1,613,358 alleles (0.00068%); highest among the groups gnomAD compares: Non-Finnish European, 0.00093%; no homozygotes.

Submission:

Labcorp Genetics (formerly Invitae), Labcorp
Classification: Uncertain significance. Last evaluated: 2021-04-06. Review status: criteria provided, single submitter. Criteria: Invitae Variant Classification Sherloc (09022015). Collection method: clinical testing. Allele origin: germline.
Comment: This variant is present in population databases (rs755607942, ExAC 0.01%). This sequence change falls in intron 35 of the HTT gene. It does not directly change the encoded amino acid sequence of the HTT protein. It affects a nucleotide within the consensus splice site of the intron. This variant has not been reported in the literature in individuals with HTT-related conditions. Nucleotide substitutions within the consensus splice site are a relatively common cause of aberrant splicing (PMID: 17576681, 9536098). Experimental studies and prediction algorithms are not available or were not evaluated, and the effect of this variant on mRNA splicing is currently unknown. In summary, the available evidence is currently insufficient to determine the role of this variant in disease. Therefore, it has been classified as a Variant of Uncertain Significance.

Literature cited by the submitters: PubMed 17576681; PubMed 9536098.